The following is an entry in ClinVar:

NM_007175.8(ERLIN2):c.758G>A (p.Arg253Gln)

Gene: ERLIN2 (ER lipid raft associated 2; plus strand). Cytogenetic location: 8p11.23.
Variant type: single nucleotide variant.
Coding change: c.758G>A on transcript NM_007175.8 (MANE Select); coding-DNA position 758, G replaced by A.
Protein change: p.Arg253Gln; replaces arginine 253 with glutamine.
Molecular consequence: missense variant.
Genome position (GRCh38, 1-based): chr8:37,753,468, G>A. VCF-style: chr8-37753468-G-A. GRCh37 (hg19) VCF-style: chr8-37610986-G-A.
Other names: c.758G>A, p.Arg253Gln (NM_001362878.2); short protein forms R253Q.
Identifiers: ClinVar variation 2187738 (VCV002187738.4), dbSNP rs1235728999, ClinGen allele CA370662077.

ClinVar aggregate classification (germline): Uncertain significance (1 of 4 stars; one submission).

Conditions:
Spastic paraplegia. Identifiers: MedGen C0037772, HP:0001258.

Allele frequency attached by ClinVar (database versions not stated): gnomAD 0.00001; TOPMed 0.00002.
gnomAD v4.1: 5 of 1,613,974 alleles (0.00031%); highest among the groups gnomAD compares: East Asian, 0.0022%; no homozygotes.

Submission:

Labcorp Genetics (formerly Invitae), Labcorp
Classification: Uncertain significance for Spastic paraplegia. Last evaluated: 2021-12-28. Review status: criteria provided, single submitter. Criteria: Invitae Variant Classification Sherloc (09022015). Collection method: clinical testing. Allele origin: germline.
Comment: This sequence change replaces arginine, which is basic and polar, with glutamine, which is neutral and polar, at codon 253 of the ERLIN2 protein (p.Arg253Gln). In summary, the available evidence is currently insufficient to determine the role of this variant in disease. Therefore, it has been classified as a Variant of Uncertain Significance. Algorithms developed to predict the effect of sequence changes on RNA splicing suggest that this variant may create or strengthen a splice site. Algorithms developed to predict the effect of missense changes on protein structure and function (SIFT, PolyPhen-2, Align-GVGD) all suggest that this variant is likely to be tolerated. This variant has not been reported in the literature in individuals affected with ERLIN2-related conditions. The frequency data for this variant in the population databases is considered unreliable, as metrics indicate poor data quality at this position in the gnomAD database.